The following is an entry in ClinVar:

NM_001193315.2(VIPAS39):c.1356+8C>T

Gene: VIPAS39 (VPS33B interacting protein, apical-basolateral polarity regulator, spe-39 homolog; minus strand). Cytogenetic location: 14q24.3.
Variant type: single nucleotide variant.
Coding change: c.1356+8C>T on transcript NM_001193315.2 (MANE Select); 8 bases into the intron after coding-DNA position 1356, C replaced by T.
Molecular consequence: intron variant.
Genome position (GRCh38, 1-based): chr14:77,428,998, G>A on the plus strand (C>T on the coding strand, the complement: VIPAS39 is on the minus strand). VCF-style: chr14-77428998-G-A. GRCh37 (hg19) VCF-style: chr14-77895341-G-A.
Other names: c.1209+8C>T (NM_001193316.2); c.1356+8C>T (NM_022067.4, NM_001193317.2, NM_001193314.2).
Identifiers: ClinVar variation 497963 (VCV000497963.14), dbSNP rs988006454, ClinGen allele CA263835084.

ClinVar aggregate classification (germline): Conflicting classifications of pathogenicity. Review status: criteria provided, conflicting classifications (1 of 4 stars). 3 submissions from 3 submitters: Uncertain significance (1); Likely benign (1). 1 of the submissions does not count toward it. Last evaluated 2025-03-18.

Conditions:
VIPAS39-related disorder. Also called: VIPAS39-related condition.

Allele frequency attached by ClinVar (database versions not stated): gnomAD exomes below 0.00001; gnomAD 0.00001.
gnomAD v4.1: 8 of 1,612,970 alleles (0.0005%); highest among the groups gnomAD compares: East Asian, 0.0022%; no homozygotes.

Submissions (3):

Labcorp Genetics (formerly Invitae), Labcorp
Classification: Likely benign. Last evaluated: 2025-03-18. Review status: criteria provided, single submitter. Criteria: Invitae Variant Classification Sherloc (09022015). Collection method: clinical testing. Allele origin: germline.

Eurofins Ntd Llc (ga)
Classification: Uncertain significance. Last evaluated: 2016-10-11. Review status: criteria provided, single submitter. Criteria: EGL Classification Definitions 2015. Collection method: clinical testing. Allele origin: germline. Observed: 1 variant allele, 1 heterozygote.

PreventionGenetics, part of Exact Sciences
Classification: Likely benign for VIPAS39-related condition. Last evaluated: 2022-02-11. Review status: no assertion criteria provided. Collection method: clinical testing. Allele origin: germline. Not counted in ClinVar's aggregate classification.
Comment: This variant is classified as likely benign based on ACMG/AMP sequence variant interpretation guidelines (Richards et al. 2015 PMID: 25741868, with internal and published modifications).